The following is an entry in ClinVar:

ClinVar aggregate classification (germline): Uncertain significance (1 of 4 stars; one submission).

Conditions:
Dilated cardiomyopathy 1JJ (CMD1JJ). Identifiers: Orphanet 154, MedGen C3808935, MONDO:0014095, OMIM 615235.

gnomAD v4.1: 1 of 1,613,906 alleles (0.000062%); highest among the groups gnomAD compares: Non-Finnish European, 0.000085%; no homozygotes.

Submission:

Labcorp Genetics (formerly Invitae), Labcorp
Classification: Uncertain significance for Dilated cardiomyopathy 1JJ. Last evaluated: 2024-02-23. Review status: criteria provided, single submitter. Criteria: Invitae Variant Classification Sherloc (09022015). Collection method: clinical testing. Allele origin: germline.
Comment: This sequence change replaces valine, which is neutral and non-polar, with methionine, which is neutral and non-polar, at codon 1596 of the LAMA4 protein (p.Val1596Met). This variant is not present in population databases (gnomAD no frequency). This variant has not been reported in the literature in individuals affected with LAMA4-related conditions. An algorithm developed to predict the effect of missense changes on protein structure and function (PolyPhen-2) suggests that this variant is likely to be tolerated. In summary, the available evidence is currently insufficient to determine the role of this variant in disease. Therefore, it has been classified as a Variant of Uncertain Significance.

NM_001105206.3(LAMA4):c.4807G>A (p.Val1603Met)

Gene: LAMA4 (laminin subunit alpha 4; minus strand). Cytogenetic location: 6q21.
Variant type: single nucleotide variant.
Coding change: c.4807G>A on transcript NM_001105206.3 (MANE Select); coding-DNA position 4807, G replaced by A.
Protein change: p.Val1603Met; replaces valine 1603 with methionine.
Molecular consequence: missense variant.
Genome position (GRCh38, 1-based): chr6:112,119,170, C>T on the plus strand (G>A on the coding strand, the complement: LAMA4 is on the minus strand). VCF-style: chr6-112119170-C-T. GRCh37 (hg19) VCF-style: chr6-112440373-C-T.
Other names: c.4786G>A, p.Val1596Met (NM_001105207.3, NM_002290.5); short protein forms V1603M, V1596M.
Identifiers: ClinVar variation 3641376 (VCV003641376.2).